The following is an entry in ClinVar:

NM_001267550.2(TTN):c.103073_103076dup (p.Ser34359delinsArgTer)

Genes: TTN-AS1 (TTN antisense RNA 1; plus strand), TTN (titin; minus strand). Cytogenetic location: 2q31.2.
Variant type: Duplication.
Coding change: c.103073_103076dup on transcript NM_001267550.2 (MANE Select); coding-DNA positions 103073 to 103076, 4 bases duplicated (ATAG; older notation c.103073_103076dupATAG).
Protein change: p.Ser34359delinsArgTer.
Molecular consequence: nonsense.
Genome position (GRCh38, 1-based): chr2:178,533,539-178,533,542, CTAT duplicated on the plus strand (ATAG on the coding strand, the reverse complement: TTN is on the minus strand); duplicating any 4 consecutive bases within chr2:178,533,539-178,533,544 gives the same sequence; the c. name uses the placement nearest the transcript's 3' end. VCF-style (leftmost placement, unchanged base first): chr2-178533538-A-ACTAT. GRCh37 (hg19) VCF-style: chr2-179398265-A-ACTAT.
Other names: c.98150_98153dup, p.Ser32718delinsArgTer (NM_001256850.1); c.75878_75881dup, p.Ser25294delinsArgTer (NM_003319.4); c.95369_95372dup, p.Ser31791delinsArgTer (NM_133378.4); c.76253_76256dup, p.Ser25419delinsArgTer (NM_133432.3); c.76454_76457dup, p.Ser25486delinsArgTer (NM_133437.4).
Identifiers: ClinVar variation 1067520 (VCV001067520.9), dbSNP rs2154135223, ClinGen allele CA2499215279.
Genomic context (GRCh38, chr2:178,533,538, plus strand): 5'-ACTTTGGCCTTCTTGGCATTCTGCATTTGCCAGTAACCTTTTGAACATGGGTCTTAAGGT[A>ACTAT]CTATCTGTTGGAGGTGGGTGTAGGGTTACTGTCAGCTTTGCTTTACAGCTGTCTTCACCA-3'

ClinVar aggregate classification (germline): Likely pathogenic (1 of 4 stars; one submission).

Conditions:
Dilated cardiomyopathy 1G (CMD1G). Identifiers: Orphanet 154, MedGen C1858763, MONDO:0011400, OMIM 604145.
Autosomal recessive limb-girdle muscular dystrophy type 2J (LGMDR10). Also called: Limb-girdle muscular dystrophy, type 2J; MUSCULAR DYSTROPHY, LIMB-GIRDLE, AUTOSOMAL RECESSIVE 10. Identifiers: Orphanet 140922, MedGen C1837342, MONDO:0012127, OMIM 608807.

Submission:

Labcorp Genetics (formerly Invitae), Labcorp
Classification: Likely pathogenic for Dilated cardiomyopathy 1G; Autosomal recessive limb-girdle muscular dystrophy type 2J. Last evaluated: 2024-11-24. Review status: criteria provided, single submitter. Criteria: Invitae Variant Classification Sherloc (09022015). Collection method: clinical testing. Allele origin: germline.
Comment: This sequence change creates a premature translational stop signal (p.Ser34359Argfs*2) in the TTN gene. While this is not anticipated to result in nonsense mediated decay, it is expected to create a truncated TTN protein. This variant is not present in population databases (gnomAD no frequency). This variant has not been reported in the literature in individuals affected with TTN-related conditions. ClinVar contains an entry for this variant (Variation ID: 1067520). This variant is located in the M band of TTN (PMID: 25589632). Truncating variants in this region have been previously reported in individuals affected with autosomal dominant or autosomal recessive myopathy and muscular dystrophy (PMID: 18948003, 23975875, 24395473). Truncating variants in this region have also been identified in individuals affected with autosomal dominant dilated cardiomyopathy and/or cardio-related conditions (PMID: 27869827, 32964742, internal data). In summary, the currently available evidence indicates that the variant is pathogenic, but additional data are needed to prove that conclusively. Therefore, this variant has been classified as Likely Pathogenic.

Literature cited by the submitters: PubMed 25589632; PubMed 18948003; PubMed 23975875; PubMed 24395473; PubMed 27869827; PubMed 32964742.